The following is an entry in ClinVar:

NM_001035.3(RYR2):c.815G>A (p.Arg272His)

Gene: RYR2 (ryanodine receptor 2; plus strand). Cytogenetic location: 1q43.
Variant type: single nucleotide variant.
Coding change: c.815G>A on transcript NM_001035.3 (MANE Select); coding-DNA position 815, G replaced by A.
Protein change: p.Arg272His; replaces arginine 272 with histidine.
Molecular consequence: missense variant.
Genome position (GRCh38, 1-based): chr1:237,417,090, G>A. VCF-style: chr1-237417090-G-A. GRCh37 (hg19) VCF-style: chr1-237580390-G-A.
Other names: c.815G>A, p.Arg272His (LRG_402t1); short protein forms R272H.
Identifiers: ClinVar variation 618352 (VCV000618352.24), dbSNP rs377368967, ClinGen allele CA345383698.

ClinVar aggregate classification (germline): Uncertain significance. Review status: criteria provided, multiple submitters, no conflicts (2 of 4 stars). 5 submissions from 5 submitters: Uncertain significance (5). Last evaluated 2025-07-11.

Conditions:
Cardiomyopathy (CMYO). Also called: Cardiomyopathies. Identifiers: Orphanet 167848, MedGen C0878544, MONDO:0004994, HP:0001638. Inheritance: Various modes of inheritance.
Catecholaminergic polymorphic ventricular tachycardia 1. Also called: RYR2-Related Catecholaminergic Polymorphic Ventricular Tachycardia; VENTRICULAR TACHYCARDIA, CATECHOLAMINERGIC POLYMORPHIC, 1, WITH OR WITHOUT ATRIAL DYSFUNCTION AND/OR DILATED CARDIOMYOPATHY; VENTRICULAR TACHYCARDIA, STRESS-INDUCED POLYMORPHIC 1. Identifiers: Orphanet 3286, MedGen C1631597, MONDO:0011484, OMIM 604772.
Cardiovascular phenotype. Identifiers: MedGen CN230736.
Catecholaminergic polymorphic ventricular tachycardia (CVPT). Also called: Catecholamine-induced polymorphic ventricular tachycardia. Identifiers: Orphanet 3286, MedGen C5574922, MONDO:0017990.

gnomAD v4.1: 6 of 1,613,722 alleles (0.00037%); highest among the groups gnomAD compares: African/African-American, 0.0013%; no homozygotes.

Submissions (5):

Ambry Genetics
Classification: Uncertain significance for Cardiovascular phenotype. Last evaluated: 2025-07-11. Review status: criteria provided, single submitter. Criteria: Ambry Variant Classification Scheme 2023. Collection method: clinical testing. Allele origin: germline.

Color Diagnostics, LLC DBA Color Health
Classification: Uncertain significance for Cardiomyopathy. Last evaluated: 2023-12-05. Review status: criteria provided, single submitter. Criteria: ACMG Guidelines, 2015. Collection method: clinical testing. Allele origin: germline.
Comment: This missense variant replaces arginine with histidine at codon 272 of the RYR2 protein. Computational prediction tools and conservation analyses suggest that this variant may have deleterious impact on the protein function. Computational splicing tools suggest that this variant may not impact RNA splicing. To our knowledge, functional assays have not been performed for this variant nor has this variant been reported in individuals affected with cardiovascular disorders in the literature. This variant has not been identified in the general population by the Genome Aggregation Database (gnomAD). Available evidence is insufficient to determine the role of this variant in disease conclusively. Therefore, this variant is classified as a Variant of Uncertain Significance.

All of Us Research Program, National Institutes of Health
Classification: Uncertain significance for Catecholaminergic polymorphic ventricular tachycardia. Last evaluated: 2023-03-28. Review status: criteria provided, single submitter. Criteria: ACMG Guidelines, 2015. Collection method: clinical testing. Allele origin: germline. Inheritance: Autosomal dominant inheritance. Observed: 1 variant allele, 1 heterozygote.
Comment: This missense variant replaces arginine with histidine at codon 272 of the RYR2 protein. Computational prediction tools and conservation analyses suggest that this variant may have deleterious impact on the protein function. Computational splicing tools suggest that this variant may not impact RNA splicing. To our knowledge, functional assays have not been performed for this variant nor has this variant been reported in individuals affected with cardiovascular disorders in the literature. This variant has not been identified in the general population by the Genome Aggregation Database (gnomAD). Available evidence is insufficient to determine the role of this variant in disease conclusively. Therefore, this variant is classified as a Variant of Uncertain Significance.

This study involves interpretation of variants in research participants for the purpose of population health screening. Participant phenotype was not available at the time of variant classification. Additional details can be found in publication PMID: 35346344, PMCID: PMC8962531

Labcorp Genetics (formerly Invitae), Labcorp
Classification: Uncertain significance for Catecholaminergic polymorphic ventricular tachycardia 1. Last evaluated: 2022-02-05. Review status: criteria provided, single submitter. Criteria: Invitae Variant Classification Sherloc (09022015). Collection method: clinical testing. Allele origin: germline.
Comment: In summary, the available evidence is currently insufficient to determine the role of this variant in disease. Therefore, it has been classified as a Variant of Uncertain Significance. Advanced modeling of protein sequence and biophysical properties (such as structural, functional, and spatial information, amino acid conservation, physicochemical variation, residue mobility, and thermodynamic stability) performed at Invitae indicates that this missense variant is expected to disrupt RYR2 protein function. ClinVar contains an entry for this variant (Variation ID: 618352). This variant has not been reported in the literature in individuals affected with RYR2-related conditions. This variant is not present in population databases (gnomAD no frequency). This sequence change replaces arginine, which is basic and polar, with histidine, which is basic and polar, at codon 272 of the RYR2 protein (p.Arg272His).

ARUP Laboratories, Molecular Genetics and Genomics, ARUP Laboratories
Classification: Uncertain significance. Last evaluated: 2017-08-07. Review status: criteria provided, single submitter. Criteria: ARUP Molecular Germline Variant Investigation Process. Collection method: clinical testing. Allele origin: germline.
Comment: The c.815G>A; p.Arg272His variant has not been reported in the medical literature, gene specific variation databases, nor has it been previously identified by our laboratory. It is absent from general population databases such as 1000 Genomes, NHLBI GO Exome Sequencing Project (ESP), and the Genome Aggregation Database (gnomAD). The arginine at position 272 is highly conserved considering 10 species (Alamut v2.9.0) and computational analyses of the effects of the p.Arg272His variant on protein structure and function indicates deleterious effects (SIFT: damaging, MutationTaster: disease causing, PolyPhen-2: probably damaging). Altogether, there is not enough evidence to classify the p.Arg272His variant with certainty.